The following is an entry in ClinVar:

NM_021729.6(VPS11):c.2276C>A (p.Thr759Asn)

Gene: VPS11 (VPS11 core subunit of CORVET and HOPS complexes; plus strand). Cytogenetic location: 11q23.3.
Variant type: single nucleotide variant.
Coding change: c.2276C>A on transcript NM_021729.6 (MANE Select); coding-DNA position 2276, C replaced by A.
Protein change: p.Thr759Asn; replaces threonine 759 with asparagine.
Molecular consequence: missense variant. On other transcripts: non-coding transcript variant (8).
Genome position (GRCh38, 1-based): chr11:119,079,138, C>A. VCF-style: chr11-119079138-C-A. GRCh37 (hg19) VCF-style: chr11-118949848-C-A.
Other names: c.2246C>A, p.Thr749Asn (NM_001290185.2); c.2288C>A, p.Thr763Asn (NM_001378218.1, NM_001378219.1); c.2261C>A, p.Thr754Asn (NM_001378220.1); c.2258C>A, p.Thr753Asn (NM_001378221.1); short protein forms T749N, T763N, T754N, T753N, T759N.
Identifiers: ClinVar variation 1927479 (VCV001927479.5), dbSNP rs1372081058, ClinGen allele CA382978797.

ClinVar aggregate classification (germline): Uncertain significance (1 of 4 stars; one submission).

Allele frequency attached by ClinVar (database versions not stated): gnomAD exomes below 0.00001; TOPMed below 0.00001.
gnomAD v4.1: 2 of 1,613,808 alleles (0.00012%); highest among the groups gnomAD compares: Admixed American, 0.0033%; no homozygotes.

Submission:

Labcorp Genetics (formerly Invitae), Labcorp
Classification: Uncertain significance. Last evaluated: 2023-06-29. Review status: criteria provided, single submitter. Criteria: Invitae Variant Classification Sherloc (09022015). Collection method: clinical testing. Allele origin: germline.
Comment: Advanced modeling of protein sequence and biophysical properties (such as structural, functional, and spatial information, amino acid conservation, physicochemical variation, residue mobility, and thermodynamic stability) performed at Invitae indicates that this missense variant is expected to disrupt VPS11 protein function. In summary, the available evidence is currently insufficient to determine the role of this variant in disease. Therefore, it has been classified as a Variant of Uncertain Significance. This variant is present in population databases (no rsID available, gnomAD 0.003%). ClinVar contains an entry for this variant (Variation ID: 1927479). This variant has not been reported in the literature in individuals affected with VPS11-related conditions. This sequence change replaces threonine, which is neutral and polar, with asparagine, which is neutral and polar, at codon 759 of the VPS11 protein (p.Thr759Asn).